The following is an entry in ClinVar:

ClinVar aggregate classification (germline): Conflicting classifications of pathogenicity. Review status: criteria provided, conflicting classifications (1 of 4 stars). 2 submissions from 2 submitters: Uncertain significance (1); Likely benign (1). Last evaluated 2025-11-28.

Conditions:
Primary familial hypertrophic cardiomyopathy (HCM). Identifiers: Orphanet 99739, MedGen C0949658, MeSH D024741, MONDO:0024573. Inheritance: Various modes of inheritance.

Allele frequency attached by ClinVar (database versions not stated): ExAC 0.00002; ESP Exome Variant Server 0.00008.
gnomAD v4.1: 53 of 1,613,914 alleles (0.0033%); highest among the groups gnomAD compares: East Asian, 0.0089%; no homozygotes.

Submissions (2):

Labcorp Genetics (formerly Invitae), Labcorp
Classification: Uncertain significance for Primary familial hypertrophic cardiomyopathy. Last evaluated: 2025-11-28. Review status: criteria provided, single submitter. Criteria: Invitae Variant Classification Sherloc (09022015). Collection method: clinical testing. Allele origin: germline.
Comment: This sequence change affects codon 246 of the ILK mRNA. It is a 'silent' change, meaning that it does not change the encoded amino acid sequence of the ILK protein. This variant is present in population databases (rs369519432, gnomAD 0.01%). This variant has not been reported in the literature in individuals affected with ILK-related conditions. ClinVar contains an entry for this variant (Variation ID: 2915866). Algorithms developed to predict the effect of sequence changes on RNA splicing suggest that this variant may create or strengthen a splice site. In summary, the available evidence is currently insufficient to determine the role of this variant in disease. Therefore, it has been classified as a Variant of Uncertain Significance.

Blueprint Genetics
Classification: Likely benign. Last evaluated: 2024-10-02. Review status: criteria provided, single submitter. Criteria: ACMG Guidelines, 2015. Collection method: clinical testing. Allele origin: germline.

NM_004517.4(ILK):c.738G>A (p.Ser246=)

Genes: ILK (integrin linked kinase; plus strand), TAF10 (TATA-box binding protein associated factor 10; minus strand). Cytogenetic location: 11p15.4.
Variant type: single nucleotide variant.
Coding change: c.738G>A on transcript NM_004517.4 (MANE Select); coding-DNA position 738, G replaced by A.
Protein change: p.Ser246=; no amino-acid change (serine 246 retained).
Molecular consequence: synonymous variant. On other transcripts: 3 prime UTR variant (1).
Genome position (GRCh38, 1-based): chr11:6,609,521, G>A. VCF-style: chr11-6609521-G-A. GRCh37 (hg19) VCF-style: chr11-6630752-G-A.
Other names: c.738G>A, p.Ser246= (NM_001014794.3, NM_001014795.3); c.555G>A, p.Ser185= (NM_001278441.2); c.336G>A, p.Ser112= (NM_001278442.2); c.*1401C>T (NM_006284.4).
Identifiers: ClinVar variation 2915866 (VCV002915866.4), dbSNP rs369519432, ClinGen allele CA5858180.
Genomic context (GRCh38, chr11:6,609,521, plus strand): 5'-ACTGAAAGAGATCTTTTGTACTGGGTCTCAACCACTCCCTCCCTCTTCTAGGATTTTCTC[G>A]CATCCAAATGTGCTCCCAGTGCTAGGTGCCTGCCAGTCTCCACCTGCTCCTCATCCTACT-3'
Protein context (NP_004508.1, residues 236-256): NEECPRLRIF[Ser246=]HPNVLPVLGA